The following is an entry in ClinVar:

NM_001195263.2(PDZD7):c.2344_2355dup (p.Ser782_Ser785dup)

Gene: PDZD7 (PDZ domain containing 7; minus strand). Cytogenetic location: 10q24.31.
Variant type: Duplication.
Coding change: c.2344_2355dup on transcript NM_001195263.2 (MANE Select); coding-DNA positions 2344 to 2355, 12 bases duplicated (AGCCGCAGCAGC).
Protein change: p.Ser782_Ser785dup.
Molecular consequence: inframe insertion.
Genome position (GRCh38, 1-based): chr10:101,010,534-101,010,545, GCTGCTGCGGCT duplicated on the plus strand (AGCCGCAGCAGC on the coding strand, the reverse complement: PDZD7 is on the minus strand); duplicating any 12 consecutive bases within chr10:101,010,534-101,010,547 gives the same sequence; the c. name uses the placement nearest the transcript's 3' end. VCF-style (leftmost placement, unchanged base first): chr10-101010533-G-GGCTGCTGCGGCT. GRCh37 (hg19) VCF-style: chr10-102770290-G-GGCTGCTGCGGCT.
Identifiers: ClinVar variation 1371576 (VCV001371576.4), dbSNP rs1162719674, ClinGen allele CA595644069.

ClinVar aggregate classification (germline): Uncertain significance (1 of 4 stars; one submission).

Submission:

Labcorp Genetics (formerly Invitae), Labcorp
Classification: Uncertain significance. Last evaluated: 2024-02-17. Review status: criteria provided, single submitter. Criteria: Invitae Variant Classification Sherloc (09022015). Collection method: clinical testing. Allele origin: germline.
Comment: This variant, c.2344_2355dup, results in the insertion of 4 amino acid(s) of the PDZD7 protein (p.Ser782_Ser785dup), but otherwise preserves the integrity of the reading frame. This variant is present in population databases (no rsID available, gnomAD 0.02%). This variant has not been reported in the literature in individuals affected with PDZD7-related conditions. ClinVar contains an entry for this variant (Variation ID: 1371576). Experimental studies and prediction algorithms are not available or were not evaluated, and the functional significance of this variant is currently unknown. In summary, the available evidence is currently insufficient to determine the role of this variant in disease. Therefore, it has been classified as a Variant of Uncertain Significance.